The following is an entry in ClinVar:

ClinVar aggregate classification (germline): Uncertain significance (1 of 4 stars; one submission).

Conditions:
Arrhythmogenic right ventricular dysplasia 11. Also called: ARRHYTHMOGENIC RIGHT VENTRICULAR DYSPLASIA, FAMILIAL, 11; Arrhythmogenic Right Ventricular Dysplasia/Cardiomyopathy11; Arrhythmogenic right ventricular dysplasia 11 with mild palmoplantar keratoderma and woolly hair. Identifiers: MedGen C1864850, MONDO:0012506, OMIM 610476.

Allele frequency attached by ClinVar (database versions not stated): TOPMed below 0.00001; gnomAD exomes below 0.00001.
gnomAD v4.1: 1 of 1,613,944 alleles (0.000062%); highest among the groups gnomAD compares: Admixed American, 0.0017%; no homozygotes.

Submission:

Labcorp Genetics (formerly Invitae), Labcorp
Classification: Uncertain significance for Arrhythmogenic right ventricular dysplasia 11. Last evaluated: 2022-02-24. Review status: criteria provided, single submitter. Criteria: Invitae Variant Classification Sherloc (09022015). Collection method: clinical testing. Allele origin: germline.
Comment: This sequence change replaces proline, which is neutral and non-polar, with arginine, which is basic and polar, at codon 449 of the DSC2 protein (p.Pro449Arg). This variant is present in population databases (no rsID available, gnomAD 0.003%). This variant has not been reported in the literature in individuals affected with DSC2-related conditions. ClinVar contains an entry for this variant (Variation ID: 843319). Algorithms developed to predict the effect of missense changes on protein structure and function (SIFT, PolyPhen-2, Align-GVGD) all suggest that this variant is likely to be tolerated. In summary, the available evidence is currently insufficient to determine the role of this variant in disease. Therefore, it has been classified as a Variant of Uncertain Significance.

NM_024422.6(DSC2):c.1346C>G (p.Pro449Arg)

Gene: DSC2 (desmocollin 2; minus strand). Cytogenetic location: 18q12.1.
Variant type: single nucleotide variant.
Coding change: c.1346C>G on transcript NM_024422.6 (MANE Select); coding-DNA position 1346, C replaced by G.
Protein change: p.Pro449Arg; replaces proline 449 with arginine.
Molecular consequence: missense variant.
Genome position (GRCh38, 1-based): chr18:31,080,270, G>C on the plus strand (C>G on the coding strand, the complement: DSC2 is on the minus strand). VCF-style: chr18-31080270-G-C. GRCh37 (hg19) VCF-style: chr18-28660236-G-C.
Other names: c.1346C>G, p.Pro449Arg (NM_004949.5); short protein forms P449R.
Identifiers: ClinVar variation 843319 (VCV000843319.7), dbSNP rs1394323673, ClinGen allele CA402108696.